The following is an entry in ClinVar:

NM_005732.4(RAD50):c.1194del (p.Lys398fs)

Gene: RAD50 (RAD50 double strand break repair protein; plus strand). Cytogenetic location: 5q31.1.
Variant type: Deletion.
Coding change: c.1194del on transcript NM_005732.4 (MANE Select); coding-DNA position 1194, one base deleted (A; older notation c.1194delA).
Protein change: p.Lys398fs; shifts the reading frame from lysine 398.
Molecular consequence: frameshift variant.
Genome position (GRCh38, 1-based): chr5:132,588,829, A deleted; the last of 3 consecutive A bases (chr5:132,588,827-132,588,829); deleting any one gives the same sequence. VCF-style (leftmost placement, unchanged base first): chr5-132588826-CA-C. GRCh37 (hg19) VCF-style: chr5-131924518-CA-C.
Other names: short protein forms K398fs.
Identifiers: ClinVar variation 480477 (VCV000480477.12), dbSNP rs780230934, ClinGen allele CA3405124.

ClinVar aggregate classification (germline): Pathogenic. Review status: criteria provided, multiple submitters, no conflicts (2 of 4 stars). 2 submissions from 2 submitters: Pathogenic (2). Last evaluated 2021-09-29.

Conditions:
Hereditary cancer-predisposing syndrome. Also called: Hereditary Cancer Syndrome; Neoplastic Syndromes, Hereditary; Tumor predisposition; Hereditary neoplastic syndrome. Identifiers: Orphanet 140162, MedGen C0027672, MeSH D009386, MONDO:0015356.

Submissions (2):

Labcorp Genetics (formerly Invitae), Labcorp
Classification: Pathogenic for Hereditary cancer-predisposing syndrome. Last evaluated: 2021-09-29. Review status: criteria provided, single submitter. Criteria: Invitae Variant Classification Sherloc (09022015). Collection method: clinical testing. Allele origin: germline.
Comment: For these reasons, this variant has been classified as Pathogenic. Loss-of-function variants in RAD50 are known to be pathogenic (PMID: 16385572, 19409520). This variant has not been reported in the literature in individuals with RAD50-related conditions. ClinVar contains an entry for this variant (Variation ID: 480477). The frequency data for this variant in the population databases is considered unreliable, as metrics indicate poor data quality at this position in the ExAC database. This sequence change creates a premature translational stop signal (p.Lys398Asnfs*3) in the RAD50 gene. It is expected to result in an absent or disrupted protein product.

Ambry Genetics
Classification: Pathogenic for Hereditary cancer-predisposing syndrome. Last evaluated: 2017-02-25. Review status: criteria provided, single submitter. Criteria: Ambry Variant Classification Scheme 2023. Collection method: clinical testing. Allele origin: germline.
Comment: The c.1194delA pathogenic mutation, located in coding exon 8 of the RAD50 gene, results from a deletion of one nucleotide at nucleotide position 1194, causing a translational frameshift with a predicted alternate stop codon (p.K398Nfs*3). This alteration is expected to result in loss of function by premature protein truncation or nonsense-mediated mRNA decay. As such, this alteration is interpreted as a disease-causing mutation.

Literature cited by the submitters: PubMed 16385572 (cited by Labcorp Genetics (formerly Invitae), Labcorp); PubMed 19409520 (cited by Labcorp Genetics (formerly Invitae), Labcorp).